The following is an entry in ClinVar:

ClinVar aggregate classification (germline): Pathogenic (1 of 4 stars; one submission).

Submission:

Labcorp Genetics (formerly Invitae), Labcorp
Classification: Pathogenic. Last evaluated: 2025-11-08. Review status: criteria provided, single submitter. Criteria: Invitae Variant Classification Sherloc (09022015). Collection method: clinical testing. Allele origin: germline.
Comment: This sequence change creates a premature translational stop signal (p.Glu353*) in the SCLT1 gene. It is expected to result in an absent or disrupted protein product. Loss-of-function variants in SCLT1 are known to be pathogenic (PMID: 28005958). This variant is not present in population databases (gnomAD no frequency). This variant has not been reported in the literature in individuals affected with SCLT1-related conditions. For these reasons, this variant has been classified as Pathogenic.

Literature cited by the submitters: PubMed 28005958.

NM_144643.4(SCLT1):c.1057G>T (p.Glu353Ter)

Gene: SCLT1 (sodium channel and clathrin linker 1; minus strand). Cytogenetic location: 4q28.2.
Variant type: single nucleotide variant.
Coding change: c.1057G>T on transcript NM_144643.4 (MANE Select); coding-DNA position 1057, G replaced by T.
Protein change: p.Glu353Ter; replaces glutamic acid 353 with a stop codon.
Molecular consequence: nonsense.
Genome position (GRCh38, 1-based): chr4:128,957,115, C>A on the plus strand (G>T on the coding strand, the complement: SCLT1 is on the minus strand). VCF-style: chr4-128957115-C-A. GRCh37 (hg19) VCF-style: chr4-129878270-C-A.
Other names: c.1057G>T, p.Glu353Ter (NM_001410807.1); short protein forms E353*.
Identifiers: ClinVar variation 4751205 (VCV004751205.1).
Genomic context (GRCh38, chr4:128,957,115, plus strand): 5'-GTACAAACCGAGAAACTGTCTCTTTCATTTTCTCTATGTCTTCTTCTTTTTGCTTCTCCT[C>A]AAGTAGAGCCTTCAGAAAATAATCATTTCATGTTATAGATAACATTATTATTAGTAAAGA-3'